The following is an entry in ClinVar:

ClinVar aggregate classification (germline): Pathogenic (1 of 4 stars; one submission).

Conditions:
Ichthyosis linearis circumflexa. Identifiers: MedGen C0265962, MONDO:0043106, HP:0025810.

Submission:

Labcorp Genetics (formerly Invitae), Labcorp
Classification: Pathogenic for Ichthyosis linearis circumflexa. Last evaluated: 2025-08-19. Review status: criteria provided, single submitter. Criteria: Invitae Variant Classification Sherloc (09022015). Collection method: clinical testing. Allele origin: germline.
Comment: This sequence change creates a premature translational stop signal (p.Ser909*) in the SPINK5 gene. It is expected to result in an absent or disrupted protein product. Loss-of-function variants in SPINK5 are known to be pathogenic (PMID: 11511292, 11841556). This variant is not present in population databases (gnomAD no frequency). This variant has not been reported in the literature in individuals affected with SPINK5-related conditions. Algorithms developed to predict the effect of sequence changes on RNA splicing suggest that this variant may disrupt the consensus splice site. For these reasons, this variant has been classified as Pathogenic.

Literature cited by the submitters: PubMed 11511292; PubMed 11841556.

NM_006846.4(SPINK5):c.2726C>A (p.Ser909Ter)

Gene: SPINK5 (serine peptidase inhibitor Kazal type 5; plus strand). Cytogenetic location: 5q32.
Variant type: single nucleotide variant.
Coding change: c.2726C>A on transcript NM_006846.4 (MANE Select); coding-DNA position 2726, C replaced by A.
Protein change: p.Ser909Ter; replaces serine 909 with a stop codon.
Molecular consequence: nonsense.
Genome position (GRCh38, 1-based): chr5:148,124,824, C>A. VCF-style: chr5-148124824-C-A. GRCh37 (hg19) VCF-style: chr5-147504387-C-A.
Other names: c.2726C>A, p.Ser909Ter (NM_001127698.2, NM_001127699.2); short protein forms S909*.
Identifiers: ClinVar variation 4804923 (VCV004804923.2).